The following is an entry in ClinVar:

NM_005902.4(SMAD3):c.174G>T (p.Gln58His)

Gene: SMAD3 (SMAD family member 3; plus strand). Cytogenetic location: 15q22.33.
Variant type: single nucleotide variant.
Coding change: c.174G>T on transcript NM_005902.4 (MANE Select); coding-DNA position 174, G replaced by T.
Protein change: p.Gln58His; replaces glutamine 58 with histidine.
Molecular consequence: missense variant.
Genome position (GRCh38, 1-based): chr15:67,066,328, G>T. VCF-style: chr15-67066328-G-T. GRCh37 (hg19) VCF-style: chr15-67358666-G-T.
Other names: c.174G>T (NM_005902.3); short protein forms Q58H.
Identifiers: ClinVar variation 4529633 (VCV004529633.1).

ClinVar aggregate classification (germline): Uncertain significance (1 of 4 stars; one submission).

Submission:

GeneDx
Classification: Uncertain significance. Last evaluated: 2025-05-15. Review status: criteria provided, single submitter. Criteria: GeneDx Variant Classification Process June 2021. Collection method: clinical testing. Allele origin: germline. Affected: yes.
Comment: Not observed at significant frequency in large population cohorts (gnomAD); In silico analysis supports that this missense variant has a deleterious effect on protein structure/function; Has not been previously published as pathogenic or benign to our knowledge